The following is an entry in ClinVar:

ClinVar aggregate classification (germline): Likely benign. Review status: criteria provided, single submitter (1 of 4 stars). 2 submissions from 2 submitters: Likely benign (1). 1 of the submissions does not count toward it. Last evaluated 2024-11-18.

Conditions:
HERC2-related disorder. Also called: HERC2-related condition.

Submissions (2):

Blueprint Genetics
Classification: Likely benign. Last evaluated: 2024-11-18. Review status: criteria provided, single submitter. Criteria: ACMG Guidelines, 2015. Collection method: clinical testing. Allele origin: germline.

PreventionGenetics, part of Exact Sciences
Classification: Benign for HERC2-related condition. Last evaluated: 2024-07-30. Review status: no assertion criteria provided. Collection method: clinical testing. Allele origin: germline. Not counted in ClinVar's aggregate classification.
Comment: This variant is classified as benign based on ACMG/AMP sequence variant interpretation guidelines (Richards et al. 2015 PMID: 25741868, with internal and published modifications).

NM_004667.6(HERC2):c.9954G>A (p.Ser3318=)

Gene: HERC2 (HECT and RLD domain containing E3 ubiquitin protein ligase 2; minus strand). Cytogenetic location: 15q13.1.
Variant type: single nucleotide variant.
Coding change: c.9954G>A on transcript NM_004667.6 (MANE Select); coding-DNA position 9954, G replaced by A.
Protein change: p.Ser3318=; no amino-acid change (serine 3318 retained).
Molecular consequence: synonymous variant.
Genome position (GRCh38, 1-based): chr15:28,174,498, C>T on the plus strand (G>A on the coding strand, the complement: HERC2 is on the minus strand). VCF-style: chr15-28174498-C-T. GRCh37 (hg19) VCF-style: chr15-28419644-C-T.
Identifiers: ClinVar variation 3352561 (VCV003352561.2).